The following is an entry in ClinVar:

NM_145868.2(ANXA11):c.1037G>A (p.Arg346His)

Gene: ANXA11 (annexin A11; minus strand). Cytogenetic location: 10q22.3.
Variant type: single nucleotide variant.
Coding change: c.1037G>A on transcript NM_145868.2 (MANE Select); coding-DNA position 1037, G replaced by A.
Protein change: p.Arg346His; replaces arginine 346 with histidine.
Molecular consequence: missense variant.
Genome position (GRCh38, 1-based): chr10:80,163,398, C>T on the plus strand (G>A on the coding strand, the complement: ANXA11 is on the minus strand). VCF-style: chr10-80163398-C-T. GRCh37 (hg19) VCF-style: chr10-81923154-C-T.
Other names: c.1037G>A, p.Arg346His (NM_001157.3, NM_001278407.2, NM_001278408.2 and 1 more transcripts); c.938G>A, p.Arg313His (NM_001278409.2); short protein forms R313H, R346H.
Identifiers: ClinVar variation 1521717 (VCV001521717.6), dbSNP rs749606073, ClinGen allele CA5575960.

ClinVar aggregate classification (germline): Uncertain significance (1 of 4 stars; one submission).

Allele frequency attached by ClinVar (database versions not stated): TOPMed below 0.00001; gnomAD 0.00001; gnomAD exomes 0.00001 and 0.00002; ExAC 0.00003.
gnomAD v4.1: 21 of 1,613,916 alleles (0.0013%); highest among the groups gnomAD compares: South Asian, 0.011%; no homozygotes.

Submission:

Labcorp Genetics (formerly Invitae), Labcorp
Classification: Uncertain significance. Last evaluated: 2021-08-21. Review status: criteria provided, single submitter. Criteria: Invitae Variant Classification Sherloc (09022015). Collection method: clinical testing. Allele origin: germline.
Comment: This sequence change replaces arginine with histidine at codon 346 of the ANXA11 protein (p.Arg346His). The arginine residue is highly conserved and there is a small physicochemical difference between arginine and histidine. This variant is present in population databases (rs749606073, ExAC 0.02%). This variant has not been reported in the literature in individuals affected with ANXA11-related conditions. Algorithms developed to predict the effect of missense changes on protein structure and function are either unavailable or do not agree on the potential impact of this missense change (SIFT: "Deleterious"; PolyPhen-2: "Probably Damaging"; Align-GVGD: "Class C0"). In summary, the available evidence is currently insufficient to determine the role of this variant in disease. Therefore, it has been classified as a Variant of Uncertain Significance.